The following is an entry in ClinVar:

ClinVar aggregate classification (germline): Likely benign (0 of 4 stars; one submission).

Conditions:
ASPH-related disorder. Also called: ASPH-related condition.

Allele frequency attached by ClinVar (database versions not stated): ExAC 0.00007; gnomAD 0.00007; TOPMed 0.00007; ESP Exome Variant Server 0.00008; gnomAD exomes 0.00008; 1000 Genomes Project 30x 0.00016; 1000 Genomes Project 0.00020.
gnomAD v4.1: 128 of 1,613,992 alleles (0.0079%); highest among the groups gnomAD compares: Middle Eastern, 0.083%; no homozygotes.

Submission:

PreventionGenetics, part of Exact Sciences
Classification: Likely benign for ASPH-related condition. Last evaluated: 2019-07-16. Review status: no assertion criteria provided. Collection method: clinical testing. Allele origin: germline.
Comment: This variant is classified as likely benign based on ACMG/AMP sequence variant interpretation guidelines (Richards et al. 2015 PMID: 25741868, with internal and published modifications).

NM_004318.4(ASPH):c.363A>G (p.Pro121=)

Gene: ASPH (aspartate beta-hydroxylase; minus strand). Cytogenetic location: 8q12.3.
Variant type: single nucleotide variant.
Coding change: c.363A>G on transcript NM_004318.4 (MANE Select); coding-DNA position 363, A replaced by G.
Protein change: p.Pro121=; no amino-acid change (proline 121 retained).
Molecular consequence: synonymous variant. On other transcripts: intron variant (2).
Genome position (GRCh38, 1-based): chr8:61,653,620, T>C on the plus strand (A>G on the coding strand, the complement: ASPH is on the minus strand). VCF-style: chr8-61653620-T-C. GRCh37 (hg19) VCF-style: chr8-62566179-T-C.
Other names: c.276A>G, p.Pro92= (NM_001164750.2, NM_001413903.1, NM_001413904.1 and 4 more transcripts); c.321A>G, p.Pro107= (NM_001164751.2, NM_001164752.2, NM_001164753.2 and 3 more transcripts); c.363A>G, p.Pro121= (NM_001164754.2, NM_001164755.2, NM_001413844.1 and 45 more transcripts); c.408A>G, p.Pro136= (NM_001413845.1, NM_001413846.1, NM_001413848.1 and 7 more transcripts); c.322+27348A>G (NM_001413901.1, NM_001413909.1).
Identifiers: ClinVar variation 3050232 (VCV003050232.2), dbSNP rs144325115, ClinGen allele CA4762277.